The following is an entry in ClinVar:

NC_000005.10:g.(?_74685241)_(74697126_?)del

Genes: HEXB (hexosaminidase subunit beta; plus strand), LOC129994060 (ATAC-STARR-seq lymphoblastoid active region 22672; plus strand), LOC129994061 (ATAC-STARR-seq lymphoblastoid active region 22673; plus strand), LOC129994062 (ATAC-STARR-seq lymphoblastoid active region 22674; plus strand). Cytogenetic location: 5q13.3.
Variant type: Deletion.
Identifiers: ClinVar variation 527972 (VCV000527972.3).

ClinVar aggregate classification (germline): Pathogenic (1 of 4 stars; one submission).

Conditions:
Sandhoff disease. Also called: Beta-hexosaminidase-beta-subunit deficiency; GM2 gangliosidosis, type 2; Total hexosaminidase deficiency; Sandhoff-Jatzkewitz-Pilz disease; GM2-GANGLIOSIDOSIS, TYPE II; HEXOSAMINIDASES A AND B DEFICIENCY. Identifiers: Orphanet 796, MedGen C0036161, MONDO:0010006, OMIM 268800.

Submission:

Labcorp Genetics (formerly Invitae), Labcorp
Classification: Pathogenic for Sandhoff disease. Last evaluated: 2019-05-09. Review status: criteria provided, single submitter. Criteria: Invitae Variant Classification Sherloc (09022015). Collection method: clinical testing. Allele origin: germline.
Comment: This variant is a gross deletion of the genomic region encompassing exons 1-5 of the HEXB gene, which includes the initiator codon. The 5' end of this event is unknown as it extends beyond the assayed region for this gene and therefore may encompass additional genes. The 3' boundary is likely confined to intron 5 of the HEXB gene. This is expected to result in an absent or disrupted protein product. This variant has been reported in individuals affected with Sandhoff disease (PMID: 2921040, 23010210). Loss-of-function variants in HEXB are known to be pathogenic (PMID: 18758829, 7550345). For these reasons, this variant has been classified as Pathogenic.

Literature cited by the submitters: PubMed 2921040; PubMed 23010210.